The following is an entry in ClinVar:

NM_024757.5(EHMT1):c.3229C>T (p.Gln1077Ter)

Gene: EHMT1 (euchromatic histone lysine methyltransferase 1; plus strand). Cytogenetic location: 9q34.3.
Variant type: single nucleotide variant.
Coding change: c.3229C>T on transcript NM_024757.5 (MANE Select); coding-DNA position 3229, C replaced by T.
Protein change: p.Gln1077Ter; replaces glutamine 1077 with a stop codon.
Molecular consequence: nonsense.
Genome position (GRCh38, 1-based): chr9:137,814,479, C>T. VCF-style: chr9-137814479-C-T. GRCh37 (hg19) VCF-style: chr9-140708931-C-T.
Other names: c.3208C>T, p.Gln1070Ter (NM_001354263.2); short protein forms Q1077*, Q1070*.
Identifiers: ClinVar variation 65736 (VCV000065736.7), dbSNP rs137852725, ClinGen allele CA345061.
Genomic context (GRCh38, chr9:137,814,479, plus strand): 5'-CTCTCTTCTCAGTACTGCGTGTGCATCGACGACTGCTCCTCCAGCAACTGCATGTGCGGC[C>T]AGCTCAGCATGCGCTGCTGGTACGACAAGGTGAGGGCGGCCTCGTGTGCGTGGGCTCAGG-3'

ClinVar aggregate classification (germline): Pathogenic. Review status: criteria provided, multiple submitters, no conflicts (2 of 4 stars). 3 submissions from 3 submitters: Pathogenic (2). 1 of the submissions does not count toward it. Last evaluated 2023-10-04.

Conditions:
Kleefstra syndrome 1 (KLEFS1). Identifiers: Orphanet 261494, MedGen C0795833, MONDO:0027407, OMIM 610253.

Submissions (3):

Labcorp Genetics (formerly Invitae), Labcorp
Classification: Pathogenic for Kleefstra syndrome 1. Last evaluated: 2023-10-04. Review status: criteria provided, single submitter. Criteria: Invitae Variant Classification Sherloc (09022015). Collection method: clinical testing. Allele origin: germline.
Comment: This sequence change creates a premature translational stop signal (p.Gln1077*) in the EHMT1 gene. It is expected to result in an absent or disrupted protein product. Loss-of-function variants in EHMT1 are known to be pathogenic (PMID: 16826528, 19264732). This variant is not present in population databases (gnomAD no frequency). This premature translational stop signal has been observed in individual(s) with Kleefstra syndrome (PMID: 22670141). ClinVar contains an entry for this variant (Variation ID: 65736). For these reasons, this variant has been classified as Pathogenic.

Laboratory of Genetics, Children's Clinical University Hospital Latvia
Classification: Pathogenic for Kleefstra syndrome 1. Review status: criteria provided, single submitter. Criteria: ACMG Guidelines, 2015. Collection method: curation. Allele origin: inherited. Affected: yes.

GeneReviews
No classification provided. Condition: Kleefstra syndrome 1. Review status: no classification provided. Collection method: literature only. Allele origin: unknown. Not counted in ClinVar's aggregate classification.

Literature cited by the submitters: PubMed 16826528 (cited by Labcorp Genetics (formerly Invitae), Labcorp); PubMed 19264732 (cited by Labcorp Genetics (formerly Invitae), Labcorp); PubMed 22670141 (cited by Labcorp Genetics (formerly Invitae), Labcorp); PubMed 39013458 (cited by Laboratory of Genetics, Children's Clinical University Hospital Latvia); PubMed 20945554 (cited by GeneReviews); NCBI Bookshelf NBK47079 (cited by GeneReviews).